The following is an entry in ClinVar:

ClinVar aggregate classification (germline): Uncertain significance (1 of 4 stars; one submission).

Allele frequency attached by ClinVar (database versions not stated): TOPMed below 0.00001.

Submission:

GeneDx
Classification: Uncertain significance. Last evaluated: 2021-03-26. Review status: criteria provided, single submitter. Criteria: GeneDx Variant Classification Process June 2021. Collection method: clinical testing. Allele origin: germline. Affected: yes.
Comment: Not observed in large population cohorts (Lek et al., 2016); In silico analysis supports that this missense variant does not alter protein structure/function; Has not been previously published as pathogenic or benign to our knowledge

NM_152722.5(HEPACAM):c.1218A>C (p.Gln406His)

Gene: HEPACAM (hepatic and glial cell adhesion molecule; minus strand). Cytogenetic location: 11q24.2.
Variant type: single nucleotide variant.
Coding change: c.1218A>C on transcript NM_152722.5 (MANE Select); coding-DNA position 1218, A replaced by C.
Protein change: p.Gln406His; replaces glutamine 406 with histidine.
Molecular consequence: missense variant.
Genome position (GRCh38, 1-based): chr11:124,921,171, T>G on the plus strand (A>C on the coding strand, the complement: HEPACAM is on the minus strand). VCF-style: chr11-124921171-T-G. GRCh37 (hg19) VCF-style: chr11-124791067-T-G.
Other names: short protein forms Q406H.
Identifiers: ClinVar variation 1300413 (VCV001300413.2), dbSNP rs1305508185, ClinGen allele CA383137141.